The following is an entry in ClinVar:

ClinVar aggregate classification (germline): Uncertain significance (1 of 4 stars; one submission).

Submission:

Labcorp Genetics (formerly Invitae), Labcorp
Classification: Uncertain significance. Last evaluated: 2022-03-01. Review status: criteria provided, single submitter. Criteria: Invitae Variant Classification Sherloc (09022015). Collection method: clinical testing. Allele origin: germline.
Comment: This variant is not present in population databases (gnomAD no frequency). In summary, the available evidence is currently insufficient to determine the role of this variant in disease. Therefore, it has been classified as a Variant of Uncertain Significance. Algorithms developed to predict the effect of sequence changes on RNA splicing suggest that this variant may disrupt the consensus splice site. Algorithms developed to predict the effect of missense changes on protein structure and function are either unavailable or do not agree on the potential impact of this missense change (SIFT: "Tolerated"; PolyPhen-2: "Probably Damaging"; Align-GVGD: "Class C0"). This variant has not been reported in the literature in individuals affected with CACNA1D-related conditions. This sequence change replaces phenylalanine, which is neutral and non-polar, with leucine, which is neutral and non-polar, at codon 1218 of the CACNA1D protein (p.Phe1218Leu).

NM_001128840.3(CACNA1D):c.3594C>G (p.Phe1198Leu)

Gene: CACNA1D (calcium voltage-gated channel subunit alpha1 D; plus strand). Cytogenetic location: 3p21.1.
Variant type: single nucleotide variant.
Coding change: c.3594C>G on transcript NM_001128840.3 (MANE Select); coding-DNA position 3594, C replaced by G.
Protein change: p.Phe1198Leu; replaces phenylalanine 1198 with leucine.
Molecular consequence: missense variant.
Genome position (GRCh38, 1-based): chr3:53,751,826, C>G. VCF-style: chr3-53751826-C-G. GRCh37 (hg19) VCF-style: chr3-53785853-C-G.
Other names: c.3654C>G, p.Phe1218Leu (NM_000720.4); c.3594C>G, p.Phe1198Leu (NM_001128839.3); short protein forms F1198L, F1218L.
Identifiers: ClinVar variation 2100010 (VCV002100010.4), dbSNP rs2474010850, ClinGen allele CA353250655.